The following is an entry in ClinVar:

ClinVar aggregate classification (germline): Uncertain significance. Review status: criteria provided, multiple submitters, no conflicts (2 of 4 stars). 5 submissions from 5 submitters: Uncertain significance (4). 1 of the submissions does not count toward it. Last evaluated 2025-01-16.

Conditions:
von Willebrand disease type 2 (VWD2). Also called: VON WILLEBRAND DISEASE, TYPE II; VWD, TYPE 2; VON WILLEBRAND DISEASE, TYPE 2A/IIE; VON WILLEBRAND DISEASE, TYPE 2CB. Identifiers: Orphanet 166081, Orphanet 903, MedGen C1264040, MONDO:0013304, OMIM 613554.

Allele frequency attached by ClinVar (database versions not stated): TOPMed below 0.00001; gnomAD 0.00002 and 0.00003.
gnomAD v4.1: 27 of 1,613,944 alleles (0.0017%); highest among the groups gnomAD compares: East Asian, 0.025%; no homozygotes.

Submissions (5):

ARUP Laboratories, Molecular Genetics and Genomics, ARUP Laboratories
Classification: Uncertain significance. Last evaluated: 2025-01-16. Review status: criteria provided, single submitter. Criteria: ARUP Molecular Germline Variant Investigation Process 2024. Collection method: clinical testing. Allele origin: germline.
Comment: The VWF c.3923G>A; p.Arg1308His variant (rs61749388, ClinVar Variation ID 100303), also known as p.Arg545His, is reported in the literature in multiple individuals affected with Von Willebrand disease (Meyer 1997, Stefanucci 2023). This variant is found in the general population with an overall allele frequency of 0.004603% (13/ 282436 alleles) in the Genome Aggregation Database (v2.1.1). Additionally, other amino acid substitutions at this codon (Cys, Leu, Pro, Ser) have been reported in individuals with Von Willebrand disease type 2B and are considered PATH/LPATH (Randi 1991, Baronciani 2005, Nurden 2006, Hatta 2015,). Computational analyses are uncertain whether this variant is neutral or deleterious (REVEL: 0.413). Due to limited information, the clinical significance of this variant is uncertain at this time. References: Baronciani L et al. Expression studies on a novel type 2B variant of the von Willebrand factor gene (R1308L) characterized by defective collagen binding. J Thromb Haemost. 2005 Dec;3(12):2689-94. PMID: 16246252. Hatta K et al. A family having type 2B von Willebrand disease with a novel VWF p.R1308S mutation: Detection of characteristic platelet aggregates on peripheral blood smears as the key aspect of diagnosis. Thromb Res. 2015 Oct;136(4):813-7. PMID: 26278967. Meyer D et al. Gene defects in 150 unrelated French cases with type 2 von Willebrand disease: from the patient to the gene. INSERM Network on Molecular Abnormalities in von Willebrand Disease. Thromb Haemost. 1997 Jul;78(1):451-6. PMID: 9198195. Nurden P et al. Impaired megakaryocytopoiesis in type 2B von Willebrand disease with severe thrombocytopenia. Blood. 2006 Oct 15;108(8):2587-95. PMID: 16720832. Randi AM et al. Molecular basis of von Willebrand disease type IIB. Candidate mutations cluster in one disulfide loop between proposed platelet glycoprotein Ib binding sequences. J Clin Invest. 1991 Apr;87(4):1220-6. PMID: 2010538. Stefanucci L et al. The effects of pathogenic and likely pathogenic variants for inherited hemostasis disorders in 140 214 UK Biobank participants. Blood. 2023 Dec 14;142(24):2055-2068. PMID: 37647632.

3billion
Classification: Uncertain significance for von Willebrand disease type 2. Last evaluated: 2024-09-25. Review status: criteria provided, single submitter. Criteria: ACMG Guidelines, 2015. Collection method: clinical testing. Allele origin: germline. Affected: yes.
Comment: The variant is observed at an extremely low frequency in the gnomAD v4.0.0 dataset (total allele frequency: 0.002%). Predicted Consequence/Location: Missense variant In silico tool predictions suggest damaging effect of the variant on gene or gene product [REVEL: 0.41 (>=0.6, sensitivity 0.68 and specificity 0.92); 3Cnet: 0.69 (>=0.6, sensitivity 0.72 and precision 0.9)]. The same nucleotide change resulting in the same amino acid change has been previously reported to be associated with VWF related disorder (PMID: 9198195). However, the evidence of pathogenicity is insufficient at this time. Different missense changes at the same codon (p.Arg1308Cys, p.Arg1308Leu, p.Arg1308Ser) have been reported as pathogenic/likely pathogenic with strong evidence (ClinVar ID: VCV000000289, VCV001679930 /PMID: 16246252, 2010538, 26278967). Therefore, this variant is classified as VUS according to the recommendation of ACMG/AMP guideline.

Quest Diagnostics Nichols Institute San Juan Capistrano
Classification: Uncertain significance. Last evaluated: 2024-01-16. Review status: criteria provided, single submitter. Criteria: Quest Diagnostics criteria. Collection method: clinical testing. Allele origin: unknown.
Comment: The VWF c.3923G>A (p.Arg1308His) variant has been reported in the published literature in individuals affected with type 2 VWD (PMIDs: 35210927 (2022), 27148841 (2016), 19453940 (2010)). The frequency of this variant in the general population, 0.00035 (7/19942 chromosomes (Genome Aggregation Database)), is uninformative in the assessment of its pathogenicity. Analysis of this variant using bioinformatics tools for the prediction of the effect of amino acid changes on protein structure and function yielded conflicting predictions that this variant is deleterious or benign. Based on the available information, we are unable to determine the clinical significance of this variant.

CeGaT Center for Human Genetics Tuebingen
Classification: Uncertain significance. Last evaluated: 2023-08-01. Review status: criteria provided, single submitter. Criteria: CeGaT Center For Human Genetics Tuebingen Variant Classification Criteria Version 2. Collection method: clinical testing. Allele origin: germline. Affected: yes. Observed: 1 variant allele.
Comment: VWF: PM1, PM2, PM5, BP4

Academic Unit of Haematology, University of Sheffield
No classification provided. Review status: no classification provided. Collection method: not provided. Allele origin: not provided. Not counted in ClinVar's aggregate classification.

Literature cited by the submitters: PubMed 16246252 (cited by 3billion); PubMed 9198195 (cited by 3billion); PubMed 35210927 (cited by Quest Diagnostics Nichols Institute San Juan Capistrano); PubMed 26827609 (cited by Quest Diagnostics Nichols Institute San Juan Capistrano); PubMed 19453940 (cited by Quest Diagnostics Nichols Institute San Juan Capistrano); PubMed 27148841 (cited by Quest Diagnostics Nichols Institute San Juan Capistrano).

NM_000552.5(VWF):c.3923G>A (p.Arg1308His)

Gene: VWF (von Willebrand factor; minus strand). Cytogenetic location: 12p13.31.
Variant type: single nucleotide variant.
Coding change: c.3923G>A on transcript NM_000552.5 (MANE Select); coding-DNA position 3923, G replaced by A.
Protein change: p.Arg1308His; replaces arginine 1308 with histidine.
Molecular consequence: missense variant.
Genome position (GRCh38, 1-based): chr12:6,019,495, C>T on the plus strand (G>A on the coding strand, the complement: VWF is on the minus strand). VCF-style: chr12-6019495-C-T. GRCh37 (hg19) VCF-style: chr12-6128661-C-T.
Other names: c.3923G>A (NM_000552.4); short protein forms R1308H.
Identifiers: ClinVar variation 100303 (VCV000100303.27), dbSNP rs61749388, ClinGen allele CA228488.
Genomic context (GRCh38, chr12:6,019,495, plus strand): 5'-TAGGCGTGGGAGCCGTCGTGGTACTCCACCACGGCCACGCGGACCCACTTCTGGGAGATG[C>T]GCAGCCGCTCCATCATGTCCACCACAAAGGCCTTCAGCACTTCAAACTCAGCCTCGGACA-3'
Protein context (NP_000543.3, residues 1298-1318): AFVVDMMERL[Arg1308His]ISQKWVRVAV